The following is an entry in ClinVar:

ClinVar aggregate classification (germline): Uncertain significance (1 of 4 stars; one submission).

Conditions:
Epidermolysis bullosa simplex with nail dystrophy (EBS5D). Identifiers: MedGen C4225309, MONDO:0014661, OMIM 616487.
Epidermolysis bullosa simplex, Ogna type (EBS5A). Also called: EPIDERMOLYSIS BULLOSA SIMPLEX 5A, OGNA TYPE; Pidermolysis bullosa simplex 5A, Ogna type. Identifiers: Orphanet 79401, MedGen C0432317, MONDO:0007555, OMIM 131950.
Autosomal recessive limb-girdle muscular dystrophy type 2Q (LGMDR17). Also called: MUSCULAR DYSTROPHY, LIMB-GIRDLE, AUTOSOMAL RECESSIVE 17. Identifiers: Orphanet 254361, MedGen C3150989, MONDO:0013390, OMIM 613723.
Epidermolysis bullosa simplex 5B, with muscular dystrophy (EBS5B). Also called: EPIDERMOLYSIS BULLOSA SIMPLEX AND LIMB-GIRDLE MUSCULAR DYSTROPHY; Epidermolysis bullosa simplex with muscular dystrophy. Identifiers: Orphanet 257, MedGen C2931072, MONDO:0009181, OMIM 226670.
Epidermolysis bullosa simplex 5C, with pyloric atresia (EBS5C). Also called: PLEC-Related Epidermolysis Bullosa with Pyloric Atresia; Epidermolysis bullosa simplex with pyloric atresia; PLEC1-Related Epidermolysis Bullosa with Pyloric Atresia. Identifiers: Orphanet 158684, MedGen C2677349, MONDO:0012807, OMIM 612138.

gnomAD v4.1: 1 of 1,591,430 alleles (0.000063%); highest among the groups gnomAD compares: Non-Finnish European, 0.000085%; no homozygotes.

Submission:

Labcorp Genetics (formerly Invitae), Labcorp
Classification: Uncertain significance for Autosomal recessive limb-girdle muscular dystrophy type 2Q; Epidermolysis bullosa simplex, Ogna type; Epidermolysis bullosa simplex with nail dystrophy; Epidermolysis bullosa simplex 5C, with pyloric atresia; Epidermolysis bullosa simplex 5B, with muscular dystrophy. Last evaluated: 2025-08-04. Review status: criteria provided, single submitter. Criteria: Invitae Variant Classification Sherloc (09022015). Collection method: clinical testing. Allele origin: germline.
Comment: This sequence change replaces arginine, which is basic and polar, with leucine, which is neutral and non-polar, at codon 1443 of the PLEC protein (p.Arg1443Leu). This variant is not present in population databases (gnomAD no frequency). This variant has not been reported in the literature in individuals affected with PLEC-related conditions. Invitae Evidence Modeling of protein sequence and biophysical properties (such as structural, functional, and spatial information, amino acid conservation, physicochemical variation, residue mobility, and thermodynamic stability) indicates that this missense variant is not expected to disrupt PLEC protein function with a negative predictive value of 80%. In summary, the available evidence is currently insufficient to determine the role of this variant in disease. Therefore, it has been classified as a Variant of Uncertain Significance.

NM_201384.3(PLEC):c.4247G>T (p.Arg1416Leu)

Gene: PLEC (plectin; minus strand). Cytogenetic location: 8q24.3.
Variant type: single nucleotide variant.
Coding change: c.4247G>T on transcript NM_201384.3 (MANE Select); coding-DNA position 4247, G replaced by T.
Protein change: p.Arg1416Leu; replaces arginine 1416 with leucine.
Molecular consequence: missense variant. On other transcripts: intron variant (1).
Genome position (GRCh38, 1-based): chr8:143,925,682, C>A on the plus strand (G>T on the coding strand, the complement: PLEC is on the minus strand). VCF-style: chr8-143925682-C-A. GRCh37 (hg19) VCF-style: chr8-144999850-C-A.
Other names: c.4328G>T, p.Arg1443Leu (NM_000445.5); c.4205G>T, p.Arg1402Leu (NM_201378.4); c.4181G>T, p.Arg1394Leu (NM_201379.3); c.4658G>T, p.Arg1553Leu (NM_201380.4); c.4151G>T, p.Arg1384Leu (NM_201381.3); c.4247G>T, p.Arg1416Leu (NM_201382.4); c.4259G>T, p.Arg1420Leu (NM_201383.3); c.4125+1102G>T (NM_001410941.1); short protein forms R1443L, R1384L, R1553L, R1420L, R1394L, R1402L, R1416L.
Identifiers: ClinVar variation 4788383 (VCV004788383.1).